The following is an entry in ClinVar:

ClinVar aggregate classification (germline): Uncertain significance (1 of 4 stars; one submission).

Conditions:
Hereditary cancer-predisposing syndrome. Also called: Neoplastic Syndromes, Hereditary; Hereditary Cancer Syndrome; Tumor predisposition; Hereditary neoplastic syndrome. Identifiers: Orphanet 140162, MedGen C0027672, MeSH D009386, MONDO:0015356.

Submission:

Ambry Genetics
Classification: Uncertain significance for Hereditary cancer-predisposing syndrome. Last evaluated: 2025-01-07. Review status: criteria provided, single submitter. Criteria: Ambry Variant Classification Scheme 2023. Collection method: clinical testing. Allele origin: germline.
Comment: The p.S193P variant (also known as c.577T>C), located in coding exon 4 of the STK11 gene, results from a T to C substitution at nucleotide position 577. The serine at codon 193 is replaced by proline, an amino acid with similar properties. This amino acid position is conserved. In addition, this alteration is predicted to be deleterious by in silico analysis. Based on the available evidence, the clinical significance of this variant remains unclear.

NM_000455.5(STK11):c.577T>C (p.Ser193Pro)

Gene: STK11 (serine/threonine kinase 11; plus strand). Cytogenetic location: 19p13.3.
Variant type: single nucleotide variant.
Coding change: c.577T>C on transcript NM_000455.5 (MANE Select); coding-DNA position 577, T replaced by C.
Protein change: p.Ser193Pro; replaces serine 193 with proline.
Molecular consequence: missense variant. On other transcripts: non-coding transcript variant (1).
Genome position (GRCh38, 1-based): chr19:1,220,485, T>C. VCF-style: chr19-1220485-T-C. GRCh37 (hg19) VCF-style: chr19-1220484-T-C.
Other names: c.577T>C, p.Ser193Pro (NM_001407255.1); short protein forms S193P.
Identifiers: ClinVar variation 3802376 (VCV003802376.1).